The following is an entry in ClinVar:

ClinVar aggregate classification (germline): Likely benign (1 of 4 stars; one submission).

gnomAD v4.1: 62 of 1,613,818 alleles (0.0038%); highest among the groups gnomAD compares: African/African-American, 0.045%; no homozygotes.

Submission:

Molecular Diagnostic Laboratory for Inherited Cardiovascular Disease, Montreal Heart Institute
Classification: Likely benign. Last evaluated: 2026-03-27. Review status: criteria provided, single submitter. Criteria: ACMG Guidelines, 2015. Collection method: clinical testing. Allele origin: germline. Affected: no.
Comment: BP7

NM_001281740.3(FHOD3):c.2196G>A (p.Thr732=)

Gene: FHOD3 (formin homology 2 domain containing 3; plus strand). Cytogenetic location: 18q12.2.
Variant type: single nucleotide variant.
Coding change: c.2196G>A on transcript NM_001281740.3 (MANE Select); coding-DNA position 2196, G replaced by A.
Protein change: p.Thr732=; no amino-acid change (threonine 732 retained).
Molecular consequence: synonymous variant.
Genome position (GRCh38, 1-based): chr18:36,693,383, G>A. VCF-style: chr18-36693383-G-A. GRCh37 (hg19) VCF-style: chr18-34273346-G-A.
Other names: c.1620G>A, p.Thr540= (NM_001281739.3); c.1671G>A, p.Thr557= (NM_025135.5).
Identifiers: ClinVar variation 4820368 (VCV004820368.1), dbSNP rs112826623.